The following is an entry in ClinVar:

ClinVar aggregate classification (germline): Pathogenic/Likely pathogenic. Review status: criteria provided, multiple submitters, no conflicts (2 of 4 stars). 2 submissions from 2 submitters: Pathogenic (1); Likely pathogenic (1). Last evaluated 2020-02-09.

Conditions:
Dilated cardiomyopathy 1G (CMD1G). Identifiers: Orphanet 154, MedGen C1858763, MONDO:0011400, OMIM 604145.
Autosomal recessive limb-girdle muscular dystrophy type 2J (LGMDR10). Also called: Limb-girdle muscular dystrophy, type 2J; MUSCULAR DYSTROPHY, LIMB-GIRDLE, AUTOSOMAL RECESSIVE 10. Identifiers: Orphanet 140922, MedGen C1837342, MONDO:0012127, OMIM 608807.

Submissions (2):

Labcorp Genetics (formerly Invitae), Labcorp
Classification: Likely pathogenic for Dilated cardiomyopathy 1G; Autosomal recessive limb-girdle muscular dystrophy type 2J. Last evaluated: 2020-02-09. Review status: criteria provided, single submitter. Criteria: Invitae Variant Classification Sherloc (09022015). Collection method: clinical testing. Allele origin: germline.
Comment: This sequence change results in a premature translational stop signal in the TTN gene (p.Gly32284Valfs*12). While this is not anticipated to result in nonsense mediated decay, it is expected to create a truncated TTN protein. This variant is not present in population databases (ExAC no frequency). This variant has been observed in individual(s) with dilated cardiomyopathy (Invitae). This variant is located in the A band of TTN (PMID: 25589632). Truncating variants in this region are significantly overrepresented in patients affected with dilated cardiomyopathy (PMID: 25589632). Truncating variants in this region have also been reported in individuals affected with autosomal recessive centronuclear myopathy (PMID: 23975875). In summary, the currently available evidence indicates that the variant is pathogenic, but additional data are needed to prove that conclusively. Therefore, this variant has been classified as Likely Pathogenic.

GeneDx
Classification: Pathogenic. Last evaluated: 2019-12-09. Review status: criteria provided, single submitter. Criteria: GeneDx Variant Classification Process June 2021. Collection method: clinical testing. Allele origin: germline. Affected: yes.
Comment: Has not been previously published as pathogenic or benign to our knowledge; Not observed in large population cohorts (Lek et al., 2016); Frameshift variant predicted to result in protein truncation or nonsense mediated decay in a gene for which loss-of-function is a known mechanism of disease; Located in the A-band region of titin, where the majority of truncating pathogenic variants associated with DCM have been reported (Herman et al., 2012).

Literature cited by the submitters: PubMed 25589632 (cited by Labcorp Genetics (formerly Invitae), Labcorp); PubMed 23975875 (cited by Labcorp Genetics (formerly Invitae), Labcorp).

NM_001267550.2(TTN):c.96849del (p.Gly32284fs)

Genes: TTN (titin; minus strand), TTN-AS1 (TTN antisense RNA 1; plus strand), LOC126806421 (CDK7 strongly-dependent group 2 enhancer GRCh37_chr2:179407630-179408829; plus strand). Cytogenetic location: 2q31.2.
Variant type: Deletion.
Coding change: c.96849del on transcript NM_001267550.2 (MANE Select); coding-DNA position 96849, one base deleted (A; older notation c.96849delA).
Protein change: p.Gly32284fs; shifts the reading frame from glycine 32284.
Molecular consequence: frameshift variant.
Genome position (GRCh38, 1-based): chr2:178,543,124, T deleted on the plus strand (A on the coding strand, the reverse complement: TTN is on the minus strand); the first of 3 consecutive T bases (chr2:178,543,124-178,543,126); deleting any one gives the same sequence. VCF-style (leftmost placement, unchanged base first): chr2-178543123-CT-C. GRCh37 (hg19) VCF-style: chr2-179407850-CT-C.
Other names: c.91926del, p.Gly30643fs (NM_001256850.1); c.69654del, p.Gly23219fs (NM_003319.4); c.89145del, p.Gly29716fs (NM_133378.4); c.70029del, p.Gly23344fs (NM_133432.3); c.70230del, p.Gly23411fs (NM_133437.4); short protein forms G23219fs, G23344fs, G23411fs, G29716fs, G30643fs, G32284fs.
Identifiers: ClinVar variation 1066644 (VCV001066644.15), dbSNP rs2154143293, ClinGen allele CA2499215289.